The following is an entry in ClinVar:

ClinVar aggregate classification (germline): Likely pathogenic (1 of 4 stars; one submission).

Conditions:
TCF12-related craniosynostosis. Also called: Craniosynostosis 3. Identifiers: Orphanet 35098, Orphanet 35099, Orphanet 672979, MedGen C3715051, MONDO:0014128, OMIM 615314.

Submission:

Variantyx, Inc.
Classification: Likely pathogenic for TCF12-related craniosynostosis. Last evaluated: 2025-08-28. Review status: criteria provided, single submitter. Criteria: Variantyx Assertion Criteria 2022. Collection method: clinical testing. Allele origin: germline. Inheritance: Autosomal dominant inheritance. Affected: no.
Comment: This is a canonical splicing variant in the TCF12 gene (OMIM: 600480). Pathogenic variants in this gene have been associated with autosomal dominant craniosynostosis 3. This splicing variant is expected to result in loss of function, which is a known disease mechanism for TCF12 in this disorder (PMID: 23354436) (PVS1). The alteration is absent from control populations (PM2) and it has not been reported in individuals with TCF12-related disorders in the databases available for review. Inheritance from an unaffected parent or a parent with unknown affected status has been reported, consistent with incomplete penetrance (PMID: 23354436, 25271085, 33004838). Based on the current evidence, this variant is classified as likely pathogenic for autosomal dominant craniosynostosis 3.

Literature cited by the submitters: PubMed 23354436; PubMed 25271085; PubMed 33004838.

NM_207037.2(TCF12):c.526+2T>G

Gene: TCF12 (transcription factor 12; plus strand). Cytogenetic location: 15q21.3.
Variant type: single nucleotide variant.
Coding change: c.526+2T>G on transcript NM_207037.2 (MANE Select); the canonical splice donor site of the intron after coding-DNA position 526, T replaced by G.
Molecular consequence: splice donor variant.
Genome position (GRCh38, 1-based): chr15:57,192,295, T>G. VCF-style: chr15-57192295-T-G. GRCh37 (hg19) VCF-style: chr15-57484493-T-G.
Other names: c.526+2T>G (NM_001322151.2, NM_001322159.3, NM_001322157.3 and 7 more transcripts); c.352+2T>G (NM_001322156.2, NM_001322158.2); c.-132+2T>G (NM_001322154.2); c.562+2T>G (NM_001322164.2).
Identifiers: ClinVar variation 4849999 (VCV004849999.1).